The following is an entry in ClinVar:

NM_001005373.4(LRSAM1):c.563C>T (p.Pro188Leu)

Gene: LRSAM1 (leucine rich repeat and sterile alpha motif containing 1; plus strand). Cytogenetic location: 9q33.3.
Variant type: single nucleotide variant.
Coding change: c.563C>T on transcript NM_001005373.4 (MANE Select); coding-DNA position 563, C replaced by T.
Protein change: p.Pro188Leu; replaces proline 188 with leucine.
Molecular consequence: missense variant. On other transcripts: 5 prime UTR variant (1), non-coding transcript variant (2).
Genome position (GRCh38, 1-based): chr9:127,467,774, C>T. VCF-style: chr9-127467774-C-T. GRCh37 (hg19) VCF-style: chr9-130230053-C-T.
Other names: c.563C>T, p.Pro188Leu (NM_001005374.4, NM_001190723.3, NM_001384142.1 and 2 more transcripts); c.-222C>T (NM_001384144.1); short protein forms P188L.
Identifiers: ClinVar variation 472803 (VCV000472803.12), dbSNP rs138830549, ClinGen allele CA5246598.

ClinVar aggregate classification (germline): Uncertain significance. Review status: criteria provided, multiple submitters, no conflicts (2 of 4 stars). 2 submissions from 2 submitters: Uncertain significance (2). Last evaluated 2026-06-17.

Conditions:
LRSAM1-related disorder. Also called: LRSAM1-related condition.
Charcot-Marie-Tooth disease axonal type 2P. Also called: CHARCOT-MARIE-TOOTH NEUROPATHY, TYPE 2P; Charcot-Marie-Tooth Neuropathy Type 2G; CHARCOT-MARIE-TOOTH DISEASE, AXONAL, TYPE 2G; CMT 2G. Identifiers: Orphanet 300319, Orphanet 99941, MedGen C3280797, MONDO:0013753, OMIM 614436.

Allele frequency attached by ClinVar (database versions not stated): gnomAD exomes 0.00003 and 0.00006; ExAC 0.00006; gnomAD 0.00009 and 0.00010; TOPMed 0.00009; ESP Exome Variant Server 0.00015; 1000 Genomes Project 30x 0.00031; 1000 Genomes Project 0.00040.
gnomAD v4.1: 67 of 1,610,880 alleles (0.0042%); highest among the groups gnomAD compares: East Asian, 0.022%; no homozygotes.

Submissions (2):

PreventionGenetics, part of Exact Sciences
Classification: Uncertain significance for LRSAM1-related condition. Last evaluated: 2026-06-17. Review status: criteria provided, single submitter. Criteria: ACMG Guidelines, 2015. Collection method: clinical testing. Allele origin: germline.
Comment: The LRSAM1 c.563C>T variant is predicted to result in the amino acid substitution p.Pro188Leu. This variant has been reported in three family members with features of Charcot-Marie-Tooth disease (Nghia et al. 2025. PubMed ID: 39973457). However, this variant is reported in 0.044% of alleles in individuals of East Asian descent in gnomAD. At this time, the clinical significance of this variant is uncertain due to the absence of conclusive functional and genetic evidence.

Labcorp Genetics (formerly Invitae), Labcorp
Classification: Uncertain significance for Charcot-Marie-Tooth disease axonal type 2P. Last evaluated: 2025-01-01. Review status: criteria provided, single submitter. Criteria: Invitae Variant Classification Sherloc (09022015). Collection method: clinical testing. Allele origin: germline.
Comment: This sequence change replaces proline, which is neutral and non-polar, with leucine, which is neutral and non-polar, at codon 188 of the LRSAM1 protein (p.Pro188Leu). This variant is present in population databases (rs138830549, gnomAD 0.04%). This variant has not been reported in the literature in individuals affected with LRSAM1-related conditions. ClinVar contains an entry for this variant (Variation ID: 472803). Invitae Evidence Modeling of protein sequence and biophysical properties (such as structural, functional, and spatial information, amino acid conservation, physicochemical variation, residue mobility, and thermodynamic stability) indicates that this missense variant is expected to disrupt LRSAM1 protein function with a positive predictive value of 80%. In summary, the available evidence is currently insufficient to determine the role of this variant in disease. Therefore, it has been classified as a Variant of Uncertain Significance.